The following is an entry in ClinVar:

NM_001184880.2(PCDH19):c.242T>G (p.Leu81Arg)

Gene: PCDH19 (protocadherin 19; minus strand). Cytogenetic location: Xq22.1.
Variant type: single nucleotide variant.
Coding change: c.242T>G on transcript NM_001184880.2 (MANE Select); coding-DNA position 242, T replaced by G.
Protein change: p.Leu81Arg; replaces leucine 81 with arginine.
Molecular consequence: missense variant.
Genome position (GRCh38, 1-based): chrX:100,408,356, A>C on the plus strand (T>G on the coding strand, the complement: PCDH19 is on the minus strand). VCF-style: chrX-100408356-A-C. GRCh37 (hg19) VCF-style: chrX-99663354-A-C.
Other names: c.242T>G, p.Leu81Arg (NM_001105243.2, NM_020766.3); short protein forms L81R.
Identifiers: ClinVar variation 575889 (VCV000575889.9), dbSNP rs1569316056, ClinGen allele CA414011078.

ClinVar aggregate classification (germline): Pathogenic (1 of 4 stars; one submission).

Conditions:
Developmental and epileptic encephalopathy, 9 (DEE9). Also called: Early infantile epileptic encephalopathy 9; JUBERG-HELLMAN SYNDROME; EPILEPSY, FEMALE-RESTRICTED, WITH MENTAL RETARDATION; PCDH19-Related X-Linked Female-Limited Epilepsy with Mental Retardation. Identifiers: Orphanet 101039, Orphanet 2076, MedGen C1848137, MONDO:0010246, OMIM 300088. Disease mechanism: loss of function.

Submission:

Labcorp Genetics (formerly Invitae), Labcorp
Classification: Pathogenic for Developmental and epileptic encephalopathy, 9. Last evaluated: 2020-01-04. Review status: criteria provided, single submitter. Criteria: Invitae Variant Classification Sherloc (09022015). Collection method: clinical testing. Allele origin: germline.
Comment: This sequence change replaces leucine with arginine at codon 81 of the PCDH19 protein (p.Leu81Arg). The leucine residue is highly conserved and there is a moderate physicochemical difference between leucine and arginine. This variant is not present in population databases (ExAC no frequency). For these reasons, this variant has been classified as Pathogenic. Advanced modeling of protein sequence and biophysical properties (such as structural, functional, and spatial information, amino acid conservation, physicochemical variation, residue mobility, and thermodynamic stability) performed at Invitae indicates that this missense variant is expected to disrupt PCDH19 protein function. This variant has been observed in individual(s) with clinical features of PCDH19-related epilepsy (PMID: 22946748,21053371, 27179713). In at least one individual the variant was observed to be de novo.

Literature cited by the submitters: PubMed 22946748; PubMed 21053371; PubMed 27179713.